The following is an entry in ClinVar:

ClinVar aggregate classification (germline): Conflicting classifications of pathogenicity. Review status: criteria provided, conflicting classifications (1 of 4 stars). 9 submissions from 9 submitters: Uncertain significance (1); Benign (1); Likely benign (5). 2 of the submissions do not count toward it. Last evaluated 2026-09-01.

Conditions:
Hereditary cancer-predisposing syndrome. Also called: Tumor predisposition; Neoplastic Syndromes, Hereditary; Hereditary neoplastic syndrome; Hereditary Cancer Syndrome. Identifiers: Orphanet 140162, MedGen C0027672, MeSH D009386, MONDO:0015356.
BIVM-ERCC5-related disorder. Also called: BIVM-ERCC5-related condition.
Xeroderma pigmentosum, group G (XPG). Also called: ERCC5-Related Xeroderma Pigmentosum; XERODERMA PIGMENTOSUM VII; XP, GROUP G; Xeroderma pigmentosum type 7. Identifiers: MedGen C0268141, MONDO:0010216, OMIM 278780.

Allele frequency attached by ClinVar (database versions not stated): 1000 Genomes Project 30x 0.00016; 1000 Genomes Project 0.00020; ESP Exome Variant Server 0.00069; TOPMed 0.00078; gnomAD 0.00091 and 0.00094; ExAC 0.00105; gnomAD exomes 0.00105 and 0.00150.
gnomAD v4.1: 2,297 of 1,613,914 alleles (0.14%); highest among the groups gnomAD compares: Non-Finnish European, 0.17%; 3 homozygotes.

Submissions (9):

CeGaT Center for Human Genetics Tuebingen
Classification: Likely benign. Last evaluated: 2026-09-01. Review status: criteria provided, single submitter. Criteria: CeGaT Center For Human Genetics Tuebingen Variant Classification Criteria Version 2. Collection method: clinical testing. Allele origin: germline. Affected: yes. Observed: 21 variant alleles.
Comment: ERCC5: BP4, BP7

Labcorp Genetics (formerly Invitae), Labcorp
Classification: Benign. Last evaluated: 2026-01-28. Review status: criteria provided, single submitter. Criteria: Invitae Variant Classification Sherloc (09022015). Collection method: clinical testing. Allele origin: germline.

Blueprint Genetics
Classification: Likely benign. Last evaluated: 2024-11-26. Review status: criteria provided, single submitter. Criteria: ACMG Guidelines, 2015. Collection method: clinical testing. Allele origin: germline.

Sema4
Classification: Likely benign for Hereditary cancer-predisposing syndrome. Last evaluated: 2020-12-21. Review status: criteria provided, single submitter. Criteria: Sema4 Curation Guidelines. Collection method: curation. Allele origin: germline.

GeneDx
Classification: Likely benign. Last evaluated: 2019-08-11. Review status: criteria provided, single submitter. Criteria: GeneDx Variant Classification Process June 2021. Collection method: clinical testing. Allele origin: germline. Affected: yes.

Illumina Laboratory Services, Illumina
Classification: Uncertain significance for Xeroderma pigmentosum, group G. Last evaluated: 2018-01-13. Review status: criteria provided, single submitter. Criteria: ICSL Variant Classification Criteria 13 December 2019. Collection method: clinical testing. Allele origin: germline.

Clinical Genetics DNA and cytogenetics Diagnostics Lab, Erasmus MC, Erasmus Medical Center
Classification: Likely benign for Xeroderma pigmentosum, group G. Last evaluated: 2017-06-28. Review status: criteria provided, single submitter. Criteria: ACGS Guidelines, 2013. Collection method: clinical testing. Allele origin: germline. Affected: yes. Study: VKGL Data-share Consensus.

PreventionGenetics, part of Exact Sciences
Classification: Likely benign for BIVM-ERCC5-related condition. Last evaluated: 2019-06-04. Review status: no assertion criteria provided. Collection method: clinical testing. Allele origin: germline. Not counted in ClinVar's aggregate classification.
Comment: This variant is classified as likely benign based on ACMG/AMP sequence variant interpretation guidelines (Richards et al. 2015 PMID: 25741868, with internal and published modifications).

Genome Diagnostics Laboratory, Amsterdam University Medical Center
Classification: Likely benign for Xeroderma pigmentosum, group G. Last evaluated: 2016-04-29. Review status: no assertion criteria provided. Criteria: ACGS Guidelines, 2013. Collection method: clinical testing. Allele origin: germline. Affected: yes. Study: VKGL Data-share Consensus. Not counted in ClinVar's aggregate classification.

NM_000123.4(ERCC5):c.1110T>A (p.Arg370=)

Genes: BIVM-ERCC5 (BIVM-ERCC5 readthrough; plus strand), ERCC5 (ERCC excision repair 5, endonuclease; plus strand). Cytogenetic location: 13q33.1.
Variant type: single nucleotide variant.
Coding change: c.1110T>A on transcript NM_000123.4 (MANE Select); coding-DNA position 1110, T replaced by A.
Protein change: p.Arg370=; no amino-acid change (arginine 370 retained).
Molecular consequence: synonymous variant.
Genome position (GRCh38, 1-based): chr13:102,862,259, T>A. VCF-style: chr13-102862259-T-A. GRCh37 (hg19) VCF-style: chr13-103514609-T-A.
Other names: c.2472T>A, p.Arg824= (NM_001204425.2).
Identifiers: ClinVar variation 310918 (VCV000310918.54), dbSNP rs150791877, ClinGen allele CA7041351.
Genomic context (GRCh38, chr13:102,862,259, plus strand): 5'-TGCCCTGCTGGGAAGTAGCTCAGAAGAGGAGCTGGAGAGTGAAAATCGAAGGCAGGCCCG[T>A]GGGAGGAACGCACCTGCTGCTGTAGACGAAGGCTCCATATCACCCCGGACTCTTTCAGCC-3'
Protein context (NP_000114.3, residues 360-380): ELESENRRQA[Arg370=]GRNAPAAVDE